The following is an entry in ClinVar:

NM_001220.5(CAMK2B):c.1538C>T (p.Ser513Leu)

Gene: CAMK2B (calcium/calmodulin dependent protein kinase II beta; minus strand). Cytogenetic location: 7p13.
Variant type: single nucleotide variant.
Coding change: c.1538C>T on transcript NM_001220.5 (MANE Select); coding-DNA position 1538, C replaced by T.
Protein change: p.Ser513Leu; replaces serine 513 with leucine.
Molecular consequence: missense variant. On other transcripts: intron variant (8).
Genome position (GRCh38, 1-based): chr7:44,226,575, G>A on the plus strand (C>T on the coding strand, the complement: CAMK2B is on the minus strand). VCF-style: chr7-44226575-G-A. GRCh37 (hg19) VCF-style: chr7-44266174-G-A.
Other names: c.947-5674C>T (NM_172084.3); c.1150+4431C>T (NM_172080.3); c.1036+4431C>T (NM_172083.3); c.1108+4431C>T (NM_172081.3); c.1153+4431C>T (NM_172079.3, NM_172082.3); c.1225+4431C>T (NM_001293170.2, NM_172078.3); short protein forms S513L.
Identifiers: ClinVar variation 1495268 (VCV001495268.17), dbSNP rs771401633, ClinGen allele CA4240248.

ClinVar aggregate classification (germline): Benign/Likely benign. Review status: criteria provided, multiple submitters, no conflicts (2 of 4 stars). 3 submissions from 3 submitters: Benign (1); Likely benign (2). Last evaluated 2025-10-01.

Allele frequency attached by ClinVar (database versions not stated): gnomAD 0.00005 and 0.00006; TOPMed 0.00005; gnomAD exomes 0.00007; ExAC 0.00010.
gnomAD v4.1: 103 of 1,483,986 alleles (0.0069%); highest among the groups gnomAD compares: Middle Eastern, 0.018%; no homozygotes.

Submissions (3):

CeGaT Center for Human Genetics Tuebingen
Classification: Likely benign. Last evaluated: 2025-10-01. Review status: criteria provided, single submitter. Criteria: CeGaT Center For Human Genetics Tuebingen Variant Classification Criteria Version 2. Collection method: clinical testing. Allele origin: germline. Affected: yes. Observed: 2 variant alleles.
Comment: CAMK2B: BP4, BS2

Labcorp Genetics (formerly Invitae), Labcorp
Classification: Benign. Last evaluated: 2025-05-27. Review status: criteria provided, single submitter. Criteria: Invitae Variant Classification Sherloc (09022015). Collection method: clinical testing. Allele origin: germline.

Blueprint Genetics
Classification: Likely benign. Last evaluated: 2024-06-27. Review status: criteria provided, single submitter. Criteria: ACMG Guidelines, 2015. Collection method: clinical testing. Allele origin: germline.